The following is an entry in ClinVar:

NM_000362.5(TIMP3):c.*2356C>T

Genes: SYN3 (synapsin III; minus strand), TIMP3 (TIMP metallopeptidase inhibitor 3; plus strand). Cytogenetic location: 22q12.3.
Variant type: single nucleotide variant.
Coding change: c.*2356C>T on transcript NM_000362.5 (MANE Select); 2356 bases downstream of the stop codon, C replaced by T.
Molecular consequence: 3 prime UTR variant. On other transcripts: intron variant (7).
Genome position (GRCh38, 1-based): chr22:32,861,733, C>T. VCF-style: chr22-32861733-C-T. GRCh37 (hg19) VCF-style: chr22-33257720-C-T.
Other names: c.708+3182G>A (NM_001369909.1, NM_001135774.2, NM_001369910.1); c.711+3182G>A (NM_001369907.1, NM_003490.4, NM_001369908.1 and 1 more transcripts).
Identifiers: ClinVar variation 341387 (VCV000341387.5), dbSNP rs77049244, ClinGen allele CA10654091.
Genomic context (GRCh38, chr22:32,861,733, plus strand): 5'-CATCCCCATCTGTTAGGCCTTGGTGAGGAGGCCCTGGGCAAAGAAGGGTCTTTCGCAAAG[C>T]GATGTCAGAGGGCGGTTTTGAGCTTTCTATAAGCTATAGCTTTGTTTATTTCACCCGTTC-3'

ClinVar aggregate classification (germline): Benign (1 of 4 stars; one submission).

Conditions:
Sorsby fundus dystrophy (SFD). Also called: MACULAR DYSTROPHY, HEMORRHAGIC; Sorsby fundus dystrophy, Lavia type; FUNDUS DYSTROPHY, PSEUDOINFLAMMATORY, OF SORSBY. Identifiers: Orphanet 59181, MedGen C1850938, MONDO:0007640, OMIM 136900.

Allele frequency attached by ClinVar (database versions not stated): gnomAD 0.00285 and 0.00298; TOPMed 0.00382; 1000 Genomes Project 30x 0.00500; 1000 Genomes Project 0.00539.

Submission:

Illumina Laboratory Services, Illumina
Classification: Benign for Sorsby fundus dystrophy. Last evaluated: 2018-01-12. Review status: criteria provided, single submitter. Criteria: ICSL Variant Classification Criteria 13 December 2019. Collection method: clinical testing. Allele origin: germline.
Comment: This variant was observed in the ICSL laboratory as part of a predisposition screen in an ostensibly healthy population. It had not been previously curated by ICSL or reported in the Human Gene Mutation Database (HGMD: prior to June 1st, 2018), and was therefore a candidate for classification through an automated scoring system. Utilizing variant allele frequency, disease prevalence and penetrance estimates, and inheritance mode, an automated score was calculated to assess if this variant is too frequent to cause the disease. Based on the score and internal cut-off values, a variant classified as benign is not then subjected to further curation. The score for this variant resulted in a classification of benign for this disease.